The following is an entry in ClinVar:

ClinVar aggregate classification (germline): not provided (0 of 4 stars; one submission).

Conditions:
Gestational diabetes mellitus uncontrolled. Identifiers: MedGen C3532257.

Submission:

Institute of Molecular and Cell Biology, University of Tartu
No classification provided. Condition: Gestational diabetes mellitus uncontrolled. Review status: no classification provided. Collection method: case-control. Allele origin: unknown. Affected: yes. Study: Kasak2014.
Comment: The study aimed to determine the contribution of copy number variants in the genetic etiology of normal and complicated pregnancies. The samples represented (i) maternal blood DNA drawn from healthy pregnant women during 1st or 2nd trimester and (ii) maternal and paternal blood DNA drawn at term pregnancy cases representing normal and complicated gestations (severe preeclampsia, PE; gestational diabetes, GD; small-for-gestational age newborn, SGA; large-for-gestational age newborn, LGA). We performed CNV calling based on genome-wide genotyping dataset (Illumina HumanOmniExpress-24-v1 BeadChip) by applying three algorithms, QuantiSNP, GADA (Genome Alteration Detection Algorithm) and CNstream in parallel. The acquired CNV calls were merged with HD-CNV (Hotspot Detector for Copy Number Variants) program and only the CNVs predicted by at least two programs, were considered in subsequent analysis.

Literature cited by the submitters: PubMed 25666259.

NR_046946.1(RNU6-81P):n.-14115_29574dup

Variant type: Duplication.
Identifiers: ClinVar variation 157274 (VCV000157274.2).